The following is an entry in ClinVar:

NM_000023.4(SGCA):c.668C>T (p.Ala223Val)

Gene: SGCA (sarcoglycan alpha; plus strand). Cytogenetic location: 17q21.33.
Variant type: single nucleotide variant.
Coding change: c.668C>T on transcript NM_000023.4 (MANE Select); coding-DNA position 668, C replaced by T.
Protein change: p.Ala223Val; replaces alanine 223 with valine.
Molecular consequence: missense variant. On other transcripts: non-coding transcript variant (1), intron variant (1).
Genome position (GRCh38, 1-based): chr17:50,169,175, C>T. VCF-style: chr17-50169175-C-T. GRCh37 (hg19) VCF-style: chr17-48246536-C-T.
Other names: c.584+603C>T (NM_001135697.3); short protein forms A223V.
Identifiers: ClinVar variation 1986781 (VCV001986781.1), dbSNP rs1905168219, ClinGen allele CA400180692.

ClinVar aggregate classification (germline): Uncertain significance (1 of 4 stars; one submission).

Conditions:
Autosomal recessive limb-girdle muscular dystrophy type 2D (LGMDR3). Also called: ADHALINOPATHY, PRIMARY; DUCHENNE-LIKE AUTOSOMAL RECESSIVE MUSCULAR DYSTROPHY, TYPE 2; MUSCULAR DYSTROPHY, LIMB-GIRDLE, AUTOSOMAL RECESSIVE 3. Identifiers: Orphanet 62, MedGen C2936332, MONDO:0011968, OMIM 608099. Disease mechanism: Affects gamma-sarcoglycan and also disrupts the integrity of the entire sarcoglycan complex..

Allele frequency attached by ClinVar (database versions not stated): gnomAD exomes below 0.00001; TOPMed 0.00001.
gnomAD v4.1: 1 of 1,614,012 alleles (0.000062%); highest among the groups gnomAD compares: Non-Finnish European, 0.000085%; no homozygotes.

Submission:

Labcorp Genetics (formerly Invitae), Labcorp
Classification: Uncertain significance for Autosomal recessive limb-girdle muscular dystrophy type 2D. Last evaluated: 2022-02-02. Review status: criteria provided, single submitter. Criteria: Invitae Variant Classification Sherloc (09022015). Collection method: clinical testing. Allele origin: germline.
Comment: This sequence change replaces alanine, which is neutral and non-polar, with valine, which is neutral and non-polar, at codon 223 of the SGCA protein (p.Ala223Val). This variant is not present in population databases (gnomAD no frequency). This variant has not been reported in the literature in individuals affected with SGCA-related conditions. Advanced modeling of protein sequence and biophysical properties (such as structural, functional, and spatial information, amino acid conservation, physicochemical variation, residue mobility, and thermodynamic stability) performed at Invitae indicates that this missense variant is expected to disrupt SGCA protein function. In summary, the available evidence is currently insufficient to determine the role of this variant in disease. Therefore, it has been classified as a Variant of Uncertain Significance.